The following is an entry in ClinVar:

ClinVar aggregate classification (germline): Likely benign (1 of 4 stars; one submission).

gnomAD v4.1: 62 of 1,464,312 alleles (0.0042%); highest among the groups gnomAD compares: South Asian, 0.0069%; no homozygotes.

Submission:

CeGaT Center for Human Genetics Tuebingen
Classification: Likely benign. Last evaluated: 2026-01-01. Review status: criteria provided, single submitter. Criteria: CeGaT Center For Human Genetics Tuebingen Variant Classification Criteria Version 2. Collection method: clinical testing. Allele origin: germline. Affected: yes. Observed: 1 variant allele.
Comment: ZFHX2: BP4

NM_033400.3(ZFHX2):c.4001G>A (p.Arg1334Gln)

Genes: THTPA (thiamine triphosphatase; plus strand), ZFHX2 (zinc finger homeobox 2; minus strand). Cytogenetic location: 14q11.2.
Variant type: single nucleotide variant.
Coding change: c.4001G>A on transcript NM_033400.3 (MANE Select); coding-DNA position 4001, G replaced by A.
Protein change: p.Arg1334Gln; replaces arginine 1334 with glutamine.
Molecular consequence: missense variant.
Genome position (GRCh38, 1-based): chr14:23,525,941, C>T on the plus strand (G>A on the coding strand, the complement: ZFHX2 is on the minus strand). VCF-style: chr14-23525941-C-T. GRCh37 (hg19) VCF-style: chr14-23995150-C-T.
Other names: short protein forms R1334Q.
Identifiers: ClinVar variation 4821900 (VCV004821900.4).